The following is an entry in ClinVar:

ClinVar aggregate classification (germline): Conflicting classifications of pathogenicity. Review status: criteria provided, conflicting classifications (1 of 4 stars). 4 submissions from 4 submitters: Uncertain significance (3); Likely benign (1). Last evaluated 2026-01-18.

Conditions:
Hereditary nonpolyposis colorectal neoplasms. Identifiers: MedGen C0009405, MeSH D003123.
Hereditary cancer-predisposing syndrome. Also called: Tumor predisposition; Hereditary Cancer Syndrome; Neoplastic Syndromes, Hereditary; Hereditary neoplastic syndrome. Identifiers: Orphanet 140162, MedGen C0027672, MeSH D009386, MONDO:0015356.

Allele frequency attached by ClinVar (database versions not stated): gnomAD exomes below 0.00001; TOPMed below 0.00001; ExAC 0.00001.

Submissions (4):

Labcorp Genetics (formerly Invitae), Labcorp
Classification: Likely benign for Hereditary nonpolyposis colorectal neoplasms. Last evaluated: 2026-01-18. Review status: criteria provided, single submitter. Criteria: Invitae Variant Classification Sherloc (09022015). Collection method: clinical testing. Allele origin: germline.

Center for Genomic Medicine, Rigshospitalet, Copenhagen University Hospital
Classification: Uncertain significance. Last evaluated: 2025-12-29. Review status: criteria provided, single submitter. Criteria: ACMG Guidelines, 2015. Collection method: clinical testing. Allele origin: germline.
Comment: Classification criteria: BP4

Color Diagnostics, LLC DBA Color Health
Classification: Uncertain significance for Hereditary cancer-predisposing syndrome. Last evaluated: 2025-04-08. Review status: criteria provided, single submitter. Criteria: ACMG Guidelines, 2015. Collection method: clinical testing. Allele origin: germline.
Comment: This missense variant replaces leucine with methionine at codon 905 of the MSH6 protein. Computational prediction suggests that this variant may have deleterious impact on protein structure and function. To our knowledge, functional studies have not been reported for this variant. This variant has not been reported in individuals affected with MSH6-related disorders in the literature. This variant has been identified in 1/250808 chromosomes in the general population by the Genome Aggregation Database (gnomAD). The available evidence is insufficient to determine the role of this variant in disease conclusively. Therefore, this variant is classified as a Variant of Uncertain Significance.

Ambry Genetics
Classification: Uncertain significance for Hereditary cancer-predisposing syndrome. Last evaluated: 2019-03-27. Review status: criteria provided, single submitter. Criteria: Ambry Variant Classification Scheme 2023. Collection method: clinical testing. Allele origin: germline.
Comment: The p.L905M variant (also known as c.2713T>A), located in coding exon 4 of the MSH6 gene, results from a T to A substitution at nucleotide position 2713. The leucine at codon 905 is replaced by methionine, an amino acid with highly similar properties. This amino acid position is highly conserved in available vertebrate species. In addition, the in silico prediction for this alteration is inconclusive. In addition, the CoDP in silico tool predicts this alteration to have minor impact on molecular function, with a score of 0.447 (Terui H et al. J. Biomed. Sci. 2013 Apr;20:25). Since supporting evidence is limited at this time, the clinical significance of this alteration remains unclear.

NM_000179.3(MSH6):c.2713T>A (p.Leu905Met)

Gene: MSH6 (mutS homolog 6; plus strand). Cytogenetic location: 2p16.3.
Variant type: single nucleotide variant.
Coding change: c.2713T>A on transcript NM_000179.3 (MANE Select); coding-DNA position 2713, T replaced by A.
Protein change: p.Leu905Met; replaces leucine 905 with methionine.
Molecular consequence: missense variant.
Genome position (GRCh38, 1-based): chr2:47,800,696, T>A. VCF-style: chr2-47800696-T-A. GRCh37 (hg19) VCF-style: chr2-48027835-T-A.
Other names: c.2323T>A, p.Leu775Met (NM_001281492.2); c.1807T>A, p.Leu603Met (NM_001281493.2, NM_001281494.2); short protein forms L775M, L603M, L905M.
Identifiers: ClinVar variation 821702 (VCV000821702.14), dbSNP rs747486855, ClinGen allele CA069511.
Genomic context (GRCh38, chr2:47,800,696, plus strand): 5'-AAAATCCTTAAGCAGGTCATCTCTCTGCAGACAAAAAATCCTGAAGGTCGTTTTCCTGAT[T>A]TGACTGTAGAATTGAACCGATGGGATACAGCCTTTGACCATGAAAAGGCTCGAAAGACTG-3'
Protein context (NP_000170.1, residues 895-915): TKNPEGRFPD[Leu905Met]TVELNRWDTA